The following is an entry in ClinVar:

ClinVar aggregate classification (germline): Uncertain significance. Review status: criteria provided, multiple submitters, no conflicts (2 of 4 stars). 3 submissions from 3 submitters: Uncertain significance (3). Last evaluated 2026-01-05.

Conditions:
Inborn genetic diseases. Identifiers: MedGen C0950123, MeSH D030342.

Allele frequency attached by ClinVar (database versions not stated): gnomAD 0.00001; ExAC 0.00002; gnomAD exomes 0.00002; 1000 Genomes Project 30x 0.00016; 1000 Genomes Project 0.00020.
gnomAD v4.1: 36 of 1,614,202 alleles (0.0022%); highest among the groups gnomAD compares: South Asian, 0.013%; no homozygotes.

Submissions (3):

Labcorp Genetics (formerly Invitae), Labcorp
Classification: Uncertain significance. Last evaluated: 2026-01-05. Review status: criteria provided, single submitter. Criteria: Invitae Variant Classification Sherloc (09022015). Collection method: clinical testing. Allele origin: germline.
Comment: This sequence change replaces isoleucine, which is neutral and non-polar, with threonine, which is neutral and polar, at codon 677 of the CNGA1 protein (p.Ile677Thr). This variant is present in population databases (rs562189832, gnomAD 0.006%). This variant has not been reported in the literature in individuals affected with CNGA1-related conditions. ClinVar contains an entry for this variant (Variation ID: 2167046). An algorithm developed to predict the effect of missense changes on protein structure and function (PolyPhen-2) suggests that this variant is likely to be tolerated. In summary, the available evidence is currently insufficient to determine the role of this variant in disease. Therefore, it has been classified as a Variant of Uncertain Significance.

Ambry Genetics
Classification: Uncertain significance for Inborn genetic diseases. Last evaluated: 2022-11-18. Review status: criteria provided, single submitter. Criteria: Ambry Variant Classification Scheme 2023. Collection method: clinical testing. Allele origin: germline.

Blueprint Genetics
Classification: Uncertain significance. Last evaluated: 2022-09-07. Review status: criteria provided, single submitter. Criteria: ACMG Guidelines, 2015. Collection method: clinical testing. Allele origin: germline.

NM_001379270.1(CNGA1):c.2018T>C (p.Ile673Thr)

Genes: CNGA1 (cyclic nucleotide gated channel subunit alpha 1; minus strand), LOC101927157 (uncharacterized LOC101927157; plus strand). Cytogenetic location: 4p12.
Variant type: single nucleotide variant.
Coding change: c.2018T>C on transcript NM_001379270.1 (MANE Select); coding-DNA position 2018, T replaced by C.
Protein change: p.Ile673Thr; replaces isoleucine 673 with threonine.
Molecular consequence: missense variant.
Genome position (GRCh38, 1-based): chr4:47,936,464, A>G on the plus strand (T>C on the coding strand, the complement: CNGA1 is on the minus strand). VCF-style: chr4-47936464-A-G. GRCh37 (hg19) VCF-style: chr4-47938481-A-G.
Other names: c.2018T>C, p.Ile673Thr (NM_000087.5, NM_001142564.2); c.2030T>C, p.Ile677Thr (NM_001375386.1); c.2030T>C (NM_000087.3); short protein forms I677T, I673T.
Identifiers: ClinVar variation 2167046 (VCV002167046.4), dbSNP rs562189832, ClinGen allele CA2910973.
Genomic context (GRCh38, chr4:47,936,464, plus strand): 5'-TGACCAGCTTTTCGGTTCTATGTAGAGTCGATGGGCCCACTTTCCGCTCCAGGTCCCTCA[A>G]TACTTGAAAATTCTGTGTCAATAAGCGGTTTCAGAAATTTCTCAACCTTGGTTAATCTTT-3'
Protein context (NP_001366199.1, residues 663-683): KPLIDTEFSS[Ile673Thr]EGPGAESGPI